The following is an entry in ClinVar:

NM_005560.6(LAMA5):c.6415G>A (p.Gly2139Arg)

Gene: LAMA5 (laminin subunit alpha 5; minus strand). Cytogenetic location: 20q13.33.
Variant type: single nucleotide variant.
Coding change: c.6415G>A on transcript NM_005560.6 (MANE Select); coding-DNA position 6415, G replaced by A.
Protein change: p.Gly2139Arg; replaces glycine 2139 with arginine.
Molecular consequence: missense variant.
Genome position (GRCh38, 1-based): chr20:62,322,100, C>T on the plus strand (G>A on the coding strand, the complement: LAMA5 is on the minus strand). VCF-style: chr20-62322100-C-T. GRCh37 (hg19) VCF-style: chr20-60897156-C-T.
Other names: short protein forms G2139R.
Identifiers: ClinVar variation 3352096 (VCV003352096.1).

ClinVar aggregate classification (germline): Uncertain significance (0 of 4 stars; one submission).

Conditions:
LAMA5-related disorder. Also called: LAMA5-related condition; LAMA5-Related Disorders.

gnomAD v4.1: 320 of 1,602,484 alleles (0.02%); highest among the groups gnomAD compares: Non-Finnish European, 0.025%; 1 homozygote.

Submission:

PreventionGenetics, part of Exact Sciences
Classification: Uncertain significance for LAMA5-related condition. Last evaluated: 2024-09-08. Review status: no assertion criteria provided. Collection method: clinical testing. Allele origin: germline.
Comment: The LAMA5 c.6415G>A variant is predicted to result in the amino acid substitution p.Gly2139Arg. To our knowledge, this variant has not been reported in the literature. This variant is reported in 0.021% of alleles in individuals of European (Non-Finnish) descent in gnomAD. At this time, the clinical significance of this variant is uncertain due to the absence of conclusive functional and genetic evidence.